The following is an entry in ClinVar:

ClinVar aggregate classification (germline): Likely pathogenic. Review status: criteria provided, multiple submitters, no conflicts (2 of 4 stars). 4 submissions from 4 submitters: Likely pathogenic (4). Last evaluated 2025-05-18.

Conditions:
COL4A4-related disorder.
Autosomal recessive Alport syndrome (ATS2). Also called: Alport syndrome type 2; COL4A4 Alport Syndrome and Thin Basement Membrane Nephropathy; COL4A3-Related Nephropathy; ALPORT SYNDROME 2, AUTOSOMAL RECESSIVE. Identifiers: Orphanet 63, Orphanet 88919, MedGen C4746745, MONDO:0008762, OMIM 203780.

Submissions (4):

ARUP Laboratories, Molecular Genetics and Genomics, ARUP Laboratories
Classification: Likely pathogenic. Last evaluated: 2025-05-18. Review status: criteria provided, single submitter. Criteria: ARUP Molecular Germline Variant Investigation Process 2024. Collection method: clinical testing. Allele origin: germline.
Comment: The COL4A4 c.2192G>A; p.Gly731Asp variant, to our knowledge, is not reported in the medical literature but is reported in ClinVar (Variation ID: 2632519). This variant is also absent from the Genome Aggregation Database (v2.1.1), indicating it is not a common polymorphism. Computational analyses predict that this variant is deleterious (REVEL: 0.923). This codon is located in a Gly-X-Y triple helix repeat domain, and glycine substitutions are common pathogenic alterations in this gene (Uliana 2021). Based on available information, this variant is considered to be likely pathogenic. References: Savige J et al. Consensus statement on standards and guidelines for the molecular diagnostics of Alport syndrome: refining the ACMG criteria. Eur J Hum Genet. 2021 Aug;29(8):1186-1197. PMID: 33854215. Uliana V et al. Deciphering the pathogenesis of the COL4-related hematuric nephritis: A genotype/phenotype study. Mol Genet Genomic Med. 2021 Feb;9(2):e1576. PMID: 33369211.

Genomic Medicine Center of Excellence, King Faisal Specialist Hospital and Research Centre
Classification: Likely pathogenic for Autosomal recessive Alport syndrome. Last evaluated: 2024-03-29. Review status: criteria provided, single submitter. Criteria: ACMG Guidelines, 2015. Collection method: clinical testing. Allele origin: germline.

Blueprint Genetics
Classification: Likely pathogenic for COL4A4-related disorders. Last evaluated: 2023-11-24. Review status: criteria provided, single submitter. Criteria: ACMG Guidelines, 2015. Collection method: clinical testing. Allele origin: germline. Affected: yes. Observed: 2 variant alleles.

PreventionGenetics, part of Exact Sciences
Classification: Likely pathogenic for COL4A4-related condition. Last evaluated: 2023-05-25. Review status: criteria provided, single submitter. Criteria: ACMG Guidelines, 2015. Collection method: clinical testing. Allele origin: germline.
Comment: The COL4A4 c.2192G>A variant is predicted to result in the amino acid substitution p.Gly731Asp. This variant affects a Gly residue of the conserved triple helical domain (residues 65 – 1459) of the COL4A4 protein. The majority of pathogenic variants in COL4A4 substitute a glycine residue to a bulkier amino acid in the triple-helical domain (Hudson et al. 1993. PubMed ID: 8253711). To our knowledge, this variant has not been reported in the literature or in a large population database, indicating this variant is rare. Given the evidence, we interpret c.2192G>A (p.Gly731Asp) as likely pathogenic.

NM_000092.5(COL4A4):c.2192G>A (p.Gly731Asp)

Gene: COL4A4 (collagen type IV alpha 4 chain; minus strand). Cytogenetic location: 2q36.3.
Variant type: single nucleotide variant.
Coding change: c.2192G>A on transcript NM_000092.5 (MANE Select); coding-DNA position 2192, G replaced by A.
Protein change: p.Gly731Asp; replaces glycine 731 with aspartic acid.
Molecular consequence: missense variant.
Genome position (GRCh38, 1-based): chr2:227,059,596, C>T on the plus strand (G>A on the coding strand, the complement: COL4A4 is on the minus strand). VCF-style: chr2-227059596-C-T. GRCh37 (hg19) VCF-style: chr2-227924312-C-T.
Other names: short protein forms G731D.
Identifiers: ClinVar variation 2632519 (VCV002632519.4), dbSNP rs1976367934, ClinGen allele CA350842185.